The following is an entry in ClinVar:

NM_005733.3(KIF20A):c.2027G>A (p.Arg676Gln)

Gene: KIF20A (kinesin family member 20A; plus strand). Cytogenetic location: 5q31.2.
Variant type: single nucleotide variant.
Coding change: c.2027G>A on transcript NM_005733.3 (MANE Select); coding-DNA position 2027, G replaced by A.
Protein change: p.Arg676Gln; replaces arginine 676 with glutamine.
Molecular consequence: missense variant.
Genome position (GRCh38, 1-based): chr5:138,185,612, G>A. VCF-style: chr5-138185612-G-A. GRCh37 (hg19) VCF-style: chr5-137521301-G-A.
Other names: c.2027G>A (NM_005733.2); short protein forms R676Q.
Identifiers: ClinVar variation 2076866 (VCV002076866.5), dbSNP rs777779569, ClinGen allele CA3426788.

ClinVar aggregate classification (germline): Uncertain significance. Review status: criteria provided, multiple submitters, no conflicts (2 of 4 stars). 2 submissions from 2 submitters: Uncertain significance (2). Last evaluated 2025-11-08.

Allele frequency attached by ClinVar (database versions not stated): gnomAD 0.00006; TOPMed 0.00007.
gnomAD v4.1: 69 of 1,614,054 alleles (0.0043%); highest among the groups gnomAD compares: Middle Eastern, 0.017%; no homozygotes.

Submissions (2):

Labcorp Genetics (formerly Invitae), Labcorp
Classification: Uncertain significance. Last evaluated: 2025-11-08. Review status: criteria provided, single submitter. Criteria: Invitae Variant Classification Sherloc (09022015). Collection method: clinical testing. Allele origin: germline.
Comment: This sequence change replaces arginine, which is basic and polar, with glutamine, which is neutral and polar, at codon 676 of the KIF20A protein (p.Arg676Gln). This variant is present in population databases (rs777779569, gnomAD 0.008%). This variant has not been reported in the literature in individuals affected with KIF20A-related conditions. ClinVar contains an entry for this variant (Variation ID: 2076866). An algorithm developed to predict the effect of missense changes on protein structure and function (PolyPhen-2) suggests that this variant is likely to be tolerated. In summary, the available evidence is currently insufficient to determine the role of this variant in disease. Therefore, it has been classified as a Variant of Uncertain Significance.

Ambry Genetics
Classification: Uncertain significance. Last evaluated: 2025-03-25. Review status: criteria provided, single submitter. Criteria: Ambry Variant Classification Scheme 2023. Collection method: clinical testing. Allele origin: germline.